The following is an entry in ClinVar:

NM_013382.7(POMT2):c.209C>T (p.Ala70Val)

Gene: POMT2 (protein O-mannosyltransferase 2; minus strand). Cytogenetic location: 14q24.3.
Variant type: single nucleotide variant.
Coding change: c.209C>T on transcript NM_013382.7 (MANE Select); coding-DNA position 209, C replaced by T.
Protein change: p.Ala70Val; replaces alanine 70 with valine.
Molecular consequence: missense variant.
Genome position (GRCh38, 1-based): chr14:77,320,473, G>A on the plus strand (C>T on the coding strand, the complement: POMT2 is on the minus strand). VCF-style: chr14-77320473-G-A. GRCh37 (hg19) VCF-style: chr14-77786816-G-A.
Other names: short protein forms A70V.
Identifiers: ClinVar variation 1038952 (VCV001038952.5), dbSNP rs1891834567, ClinGen allele CA390504390.

ClinVar aggregate classification (germline): Uncertain significance (1 of 4 stars; one submission).

Conditions:
Muscular dystrophy-dystroglycanopathy (congenital with brain and eye anomalies), type A2. Also called: MUSCULAR DYSTROPHY-DYSTROGLYCANOPATHY (CONGENITAL WITH BRAIN AND EYE ANOMALIES), TYPE A, 2; WALKER-WARBURG SYNDROME OR MUSCLE-EYE-BRAIN DISEASE, POMT2-RELATED. Identifiers: Orphanet 588, Orphanet 899, MedGen C3150411, MONDO:0013154, OMIM 613150.
Muscular dystrophy-dystroglycanopathy (congenital with impaired intellectual development), type B, 2. Also called: MUSCULAR DYSTROPHY, CONGENITAL, POMT2-RELATED; Muscular dystrophy-dystroglycanopathy (congenital with intellectual disability), type B2. Identifiers: MedGen C3150416, MONDO:0013160, OMIM 613156.
Autosomal recessive limb-girdle muscular dystrophy type 2N. Also called: Muscular dystrophy-dystroglycanopathy (limb-girdle), type C, 2; MUSCULAR DYSTROPHY-DYSTROGLYCANOPATHY, LIMB-GIRDLE, POMT2-RELATED. Identifiers: Orphanet 206559, MedGen C3150418, MONDO:0013162, OMIM 613158.

Allele frequency attached by ClinVar (database versions not stated): TOPMed 0.00001; gnomAD 0.00001; gnomAD exomes below 0.00001.
gnomAD v4.1: 6 of 1,545,380 alleles (0.00039%); highest among the groups gnomAD compares: Admixed American, 0.002%; no homozygotes.

Submission:

Labcorp Genetics (formerly Invitae), Labcorp
Classification: Uncertain significance for Muscular dystrophy-dystroglycanopathy (congenital with impaired intellectual development), type B, 2; Muscular dystrophy-dystroglycanopathy (congenital with brain and eye anomalies), type A2; Autosomal recessive limb-girdle muscular dystrophy type 2N. Last evaluated: 2025-06-02. Review status: criteria provided, single submitter. Criteria: Invitae Variant Classification Sherloc (09022015). Collection method: clinical testing. Allele origin: germline.
Comment: This sequence change replaces alanine, which is neutral and non-polar, with valine, which is neutral and non-polar, at codon 70 of the POMT2 protein (p.Ala70Val). This variant is not present in population databases (gnomAD no frequency). This variant has not been reported in the literature in individuals affected with POMT2-related conditions. ClinVar contains an entry for this variant (Variation ID: 1038952). Invitae Evidence Modeling of protein sequence and biophysical properties (such as structural, functional, and spatial information, amino acid conservation, physicochemical variation, residue mobility, and thermodynamic stability) indicates that this missense variant is not expected to disrupt POMT2 protein function with a negative predictive value of 95%. In summary, the available evidence is currently insufficient to determine the role of this variant in disease. Therefore, it has been classified as a Variant of Uncertain Significance.